The following is an entry in ClinVar:

ClinVar aggregate classification (germline): Likely benign (0 of 4 stars; one submission).

Conditions:
FUS-related disorder. Also called: FUS-related condition.

Submission:

PreventionGenetics, part of Exact Sciences
Classification: Likely benign for FUS-related condition. Last evaluated: 2020-02-18. Review status: no assertion criteria provided. Collection method: clinical testing. Allele origin: germline.
Comment: This variant is classified as likely benign based on ACMG/AMP sequence variant interpretation guidelines (Richards et al. 2015 PMID: 25741868, with internal and published modifications).

NM_004960.4(FUS):c.516A>T (p.Gly172=)

Gene: FUS (FUS RNA binding protein; plus strand). Cytogenetic location: 16p11.2.
Variant type: single nucleotide variant.
Coding change: c.516A>T on transcript NM_004960.4 (MANE Select); coding-DNA position 516, A replaced by T.
Protein change: p.Gly172=; no amino-acid change (glycine 172 retained).
Molecular consequence: synonymous variant. On other transcripts: non-coding transcript variant (1), intron variant (1).
Genome position (GRCh38, 1-based): chr16:31,184,389, A>T. VCF-style: chr16-31184389-A-T. GRCh37 (hg19) VCF-style: chr16-31195710-A-T.
Other names: c.513A>T, p.Gly171= (NM_001170634.1); c.511+5A>T (NM_001170937.1).
Identifiers: ClinVar variation 3051973 (VCV003051973.2), dbSNP rs878935897, ClinGen allele CA280593902.
Genomic context (GRCh38, chr16:31,184,389, plus strand): 5'-TCAGGGCTATGGACAGCAGAACCAGTACAACAGCAGCAGTGGTGGTGGAGGTGGAGGTGG[A>T]GGTGGAGGTGAGATGTCTTCAGCTTTGTCTGCAGCCCATTTTCTTTTTCTTTTTTTTTTT-3'
Protein context (NP_004951.1, residues 162-182): NSSSGGGGGG[Gly172=]GGGNYGQDQS